The following is an entry in ClinVar:

NM_005529.7(HSPG2):c.8759C>T (p.Ala2920Val)

Gene: HSPG2 (heparan sulfate proteoglycan 2; minus strand). Cytogenetic location: 1p36.12.
Variant type: single nucleotide variant.
Coding change: c.8759C>T on transcript NM_005529.7 (MANE Select); coding-DNA position 8759, C replaced by T.
Protein change: p.Ala2920Val; replaces alanine 2920 with valine.
Molecular consequence: missense variant.
Genome position (GRCh38, 1-based): chr1:21,842,921, G>A on the plus strand (C>T on the coding strand, the complement: HSPG2 is on the minus strand). VCF-style: chr1-21842921-G-A. GRCh37 (hg19) VCF-style: chr1-22169414-G-A.
Other names: c.8762C>T, p.Ala2921Val (NM_001291860.2); short protein forms A2920V, A2921V.
Identifiers: ClinVar variation 1380173 (VCV001380173.8), dbSNP rs2152707081, ClinGen allele CA338916719.

ClinVar aggregate classification (germline): Uncertain significance (1 of 4 stars; one submission).

gnomAD v4.1: 1 of 1,614,132 alleles (0.000062%); no homozygotes.

Submission:

Labcorp Genetics (formerly Invitae), Labcorp
Classification: Uncertain significance. Last evaluated: 2021-03-21. Review status: criteria provided, single submitter. Criteria: Invitae Variant Classification Sherloc (09022015). Collection method: clinical testing. Allele origin: germline.
Comment: This variant is not present in population databases (ExAC no frequency). In summary, the available evidence is currently insufficient to determine the role of this variant in disease. Therefore, it has been classified as a Variant of Uncertain Significance. Algorithms developed to predict the effect of missense changes on protein structure and function (SIFT, PolyPhen-2, Align-GVGD) all suggest that this variant is likely to be tolerated, but these predictions have not been confirmed by published functional studies and their clinical significance is uncertain. This variant has not been reported in the literature in individuals with HSPG2-related conditions. This sequence change replaces alanine with valine at codon 2920 of the HSPG2 protein (p.Ala2920Val). The alanine residue is weakly conserved and there is a small physicochemical difference between alanine and valine.